The following is an entry in ClinVar:

ClinVar aggregate classification (germline): Pathogenic. Review status: criteria provided, multiple submitters, no conflicts (2 of 4 stars). 2 submissions from 2 submitters: Pathogenic (2). Last evaluated 2021-07-06.

Conditions:
Deafness-lymphedema-leukemia syndrome. Also called: Lymphedema, primary, with myelodysplasia; Emberger syndrome. Identifiers: Orphanet 3226, MedGen C3279664, MONDO:0013540, OMIM 614038.
GATA2 deficiency with susceptibility to MDS/AML. Identifiers: MedGen CN300066, MONDO:0042982.

Submissions (2):

Molecular Pathology Research Laboratory, SA Pathology
Classification: Pathogenic for GATA2 deficiency with susceptibility to MDS/AML; Deafness-lymphedema-leukemia syndrome. Last evaluated: 2021-07-06. Review status: criteria provided, single submitter. Criteria: ACMG Guidelines, 2015. Collection method: curation. Allele origin: unknown. Inheritance: Autosomal dominant inheritance. Affected: yes. Observed: 1 variant allele.
Comment: PVS1, PS4_Supporting, PM2

PreventionGenetics, part of Exact Sciences
Classification: Pathogenic. Last evaluated: 2018-04-05. Review status: criteria provided, single submitter. Criteria: ACMG Guidelines, 2015. Collection method: clinical testing. Allele origin: germline.

Literature cited by the submitters: PubMed 23223431 (cited by Molecular Pathology Research Laboratory, SA Pathology); PubMed 29724903 (cited by Molecular Pathology Research Laboratory, SA Pathology).

NM_032638.5(GATA2):c.610C>T (p.Arg204Ter)

Gene: GATA2 (GATA binding protein 2; minus strand). Cytogenetic location: 3q21.3.
Variant type: single nucleotide variant.
Coding change: c.610C>T on transcript NM_032638.5 (MANE Select); coding-DNA position 610, C replaced by T.
Protein change: p.Arg204Ter; replaces arginine 204 with a stop codon.
Molecular consequence: nonsense.
Genome position (GRCh38, 1-based): chr3:128,485,988, G>A on the plus strand (C>T on the coding strand, the complement: GATA2 is on the minus strand). VCF-style: chr3-128485988-G-A. GRCh37 (hg19) VCF-style: chr3-128204831-G-A.
Other names: c.610C>T, p.Arg204Ter (NM_001145661.2, NM_001145662.1); short protein forms R204*.
Identifiers: ClinVar variation 800691 (VCV000800691.3), dbSNP rs1576748638, ClinGen allele CA354406422.